The following is an entry in ClinVar:

ClinVar aggregate classification (germline): Uncertain significance. Review status: criteria provided, multiple submitters, no conflicts (2 of 4 stars). 3 submissions from 3 submitters: Uncertain significance (3). Last evaluated 2025-12-12.

Conditions:
Inborn genetic diseases. Identifiers: MedGen C0950123, MeSH D030342.
RP1L1-related disorder. Also called: RP1L1-related condition.

Allele frequency attached by ClinVar (database versions not stated): gnomAD exomes below 0.00001; gnomAD 0.00004; TOPMed 0.00004.
gnomAD v4.1: 11 of 1,600,008 alleles (0.00069%); highest among the groups gnomAD compares: African/African-American, 0.013%; no homozygotes.

Submissions (3):

PreventionGenetics, part of Exact Sciences
Classification: Uncertain significance for RP1L1-related condition. Last evaluated: 2025-12-12. Review status: criteria provided, single submitter. Criteria: ACMG Guidelines, 2015. Collection method: clinical testing. Allele origin: germline.
Comment: The RP1L1 c.763C>A variant is predicted to result in the amino acid substitution p.Pro255Thr. To our knowledge, this variant has not been reported in the literature. This variant is reported in 0.017% of alleles in individuals of African descent in gnomAD. At this time, the clinical significance of this variant is uncertain due to the absence of conclusive functional and genetic evidence.

Ambry Genetics
Classification: Uncertain significance for Inborn genetic diseases. Last evaluated: 2023-10-27. Review status: criteria provided, single submitter. Criteria: Ambry Variant Classification Scheme 2023. Collection method: clinical testing. Allele origin: germline.

Blueprint Genetics
Classification: Uncertain significance. Last evaluated: 2023-06-14. Review status: criteria provided, single submitter. Criteria: ACMG Guidelines, 2015. Collection method: clinical testing. Allele origin: germline.

NM_178857.6(RP1L1):c.763C>A (p.Pro255Thr)

Gene: RP1L1 (RP1 like 1). Cytogenetic location: 8p23.1.
Variant type: single nucleotide variant.
Coding change: c.763C>A on transcript NM_178857.6 (MANE Select); coding-DNA position 763, C replaced by A.
Protein change: p.Pro255Thr; replaces proline 255 with threonine.
Molecular consequence: missense variant.
Genome position (GRCh38, 1-based): chr8:10,613,335, G>T on the plus strand (C>A on the coding strand, the complement: RP1L1 is on the minus strand). VCF-style: chr8-10613335-G-T. GRCh37 (hg19) VCF-style: chr8-10470845-G-T.
Other names: short protein forms P255T.
Identifiers: ClinVar variation 3155881 (VCV003155881.3), dbSNP rs957265685, ClinGen allele CA171947969.
Genomic context (GRCh38, chr8:10,613,335, plus strand): 5'-GCAGCCGTGGCGTGCTGCCTGGCGGAGACCGCGAATGGATCACACTCGGCTTGGTCTTTG[G>T]CCCCCAGCTCCCTGGCACGCAGTGAAGAGGAAAAGAAAAGAAGAAAAGACTGTGAGCCAT-3'
Protein context (NP_849188.4, residues 245-265): TSRNKNGSWG[Pro255Thr]KTKPSVIHSR